The following is an entry in ClinVar:

ClinVar aggregate classification (germline): Uncertain significance (1 of 4 stars; one submission).

Submission:

Labcorp Genetics (formerly Invitae), Labcorp
Classification: Uncertain significance. Last evaluated: 2021-10-20. Review status: criteria provided, single submitter. Criteria: Invitae Variant Classification Sherloc (09022015). Collection method: clinical testing. Allele origin: germline.
Comment: Algorithms developed to predict the effect of missense changes on protein structure and function are either unavailable or do not agree on the potential impact of this missense change (SIFT: "Deleterious"; PolyPhen-2: "Possibly Damaging"; Align-GVGD: "Class C0"). In summary, the available evidence is currently insufficient to determine the role of this variant in disease. Therefore, it has been classified as a Variant of Uncertain Significance. This variant has not been reported in the literature in individuals affected with ZNF341-related conditions. This sequence change replaces glycine with glutamic acid at codon 229 of the ZNF341 protein (p.Gly229Glu). The glycine residue is moderately conserved and there is a moderate physicochemical difference between glycine and glutamic acid. This variant is not present in population databases (ExAC no frequency).

NM_001282933.2(ZNF341):c.686G>A (p.Gly229Glu)

Gene: ZNF341 (zinc finger protein 341; plus strand). Cytogenetic location: 20q11.22.
Variant type: single nucleotide variant.
Coding change: c.686G>A on transcript NM_001282933.2 (MANE Select); coding-DNA position 686, G replaced by A.
Protein change: p.Gly229Glu; replaces glycine 229 with glutamic acid.
Molecular consequence: missense variant. On other transcripts: non-coding transcript variant (1).
Genome position (GRCh38, 1-based): chr20:33,753,368, G>A. VCF-style: chr20-33753368-G-A. GRCh37 (hg19) VCF-style: chr20-32341174-G-A.
Other names: c.416G>A, p.Gly139Glu (NM_001282935.2); c.686G>A, p.Gly229Glu (NM_032819.5); short protein forms G139E, G229E.
Identifiers: ClinVar variation 1483311 (VCV001483311.6), dbSNP rs1168227402, ClinGen allele CA408649981.